The following is an entry in ClinVar:

ClinVar aggregate classification (germline): Uncertain significance (1 of 4 stars; one submission).

Submission:

Labcorp Genetics (formerly Invitae), Labcorp
Classification: Uncertain significance. Last evaluated: 2024-03-23. Review status: criteria provided, single submitter. Criteria: Invitae Variant Classification Sherloc (09022015). Collection method: clinical testing. Allele origin: germline.
Comment: This variant, c.1155_1157dup, results in the insertion of 1 amino acid(s) of the TAOK2 protein (p.Glu392dup), but otherwise preserves the integrity of the reading frame. The frequency data for this variant in the population databases is considered unreliable, as metrics indicate poor data quality at this position in the gnomAD database. This variant has not been reported in the literature in individuals affected with TAOK2-related conditions. Experimental studies and prediction algorithms are not available or were not evaluated, and the functional significance of this variant is currently unknown. In summary, the available evidence is currently insufficient to determine the role of this variant in disease. Therefore, it has been classified as a Variant of Uncertain Significance.

NM_016151.4(TAOK2):c.1140GGA[7] (p.Glu392dup)

Gene: TAOK2 (TAO kinase 2; plus strand). Cytogenetic location: 16p11.2.
Variant type: Microsatellite.
Coding change: c.1140GGA[7] on transcript NM_016151.4 (MANE Select); seven copies in a row of the 3-base unit GGA starting at c.1140; the reference has six copies in a row; one copy, 3 bases duplicated.
Protein change: p.Glu392dup; duplicates glutamic acid 392.
Molecular consequence: inframe insertion.
Genome position (GRCh38, 1-based): chr16:29,983,227-29,983,229, GGA duplicated; duplicating any 3 consecutive bases within chr16:29,983,210-29,983,229 gives the same sequence; the position shown is the placement nearest the transcript's 3' end. VCF-style (leftmost placement, unchanged base first): chr16-29983209-A-AGAG. GRCh37 (hg19) VCF-style: chr16-29994530-A-AGAG.
Other names: c.1140GGA[7], p.Glu392dup (NM_001252043.2, NM_004783.4).
Identifiers: ClinVar variation 1379195 (VCV001379195.8), dbSNP rs368747234, ClinGen allele CA7998053.